The following is an entry in ClinVar:

NM_004408.4(DNM1):c.2542G>A (p.Gly848Ser)

Gene: DNM1 (dynamin 1; plus strand). Cytogenetic location: 9q34.11.
Variant type: single nucleotide variant.
Coding change: c.2542G>A on transcript NM_004408.4 (MANE Select); coding-DNA position 2542, G replaced by A.
Protein change: p.Gly848Ser; replaces glycine 848 with serine.
Molecular consequence: missense variant. On other transcripts: 3 prime UTR variant (4).
Genome position (GRCh38, 1-based): chr9:128,254,661, G>A. VCF-style: chr9-128254661-G-A. GRCh37 (hg19) VCF-style: chr9-131016940-G-A.
Other names: c.*23G>A (NM_001005336.3, NM_001288737.2); c.*668G>A (NM_001288738.2); c.2542G>A, p.Gly848Ser (NM_001288739.2); c.*583G>A (NM_001374269.1); short protein forms G848S.
Identifiers: ClinVar variation 1949973 (VCV001949973.5), dbSNP rs948639797, ClinGen allele CA200325467.
Genomic context (GRCh38, chr9:128,254,661, plus strand): 5'-TCTCTCCTCGCTTTTCTCTCCCGTTTTCTCTCTGCTTTCTCTCCAACTGCCAGCCGATCG[G>A]GTCAGGCAAGTCCATCCCGTCCTGAGAGCCCCAGGCCCCCCTTCGACCTCTAAACAGATC-3'
Protein context (NP_004399.2, residues 838-858): RAPPGVPSRS[Gly848Ser]QASPSRPESP

ClinVar aggregate classification (germline): Uncertain significance (1 of 4 stars; one submission).

Conditions:
Developmental and epileptic encephalopathy, 31A. Also called: Developmental and epileptic encephalopathy, 31; Epileptic encephalopathy, early infantile, 31. Identifiers: Orphanet 2382, MedGen C4225357, MONDO:0014598, OMIM 616346.

Allele frequency attached by ClinVar (database versions not stated): gnomAD 0.00001; TOPMed 0.00002.

Submission:

Labcorp Genetics (formerly Invitae), Labcorp
Classification: Uncertain significance for Developmental and epileptic encephalopathy, 31A. Last evaluated: 2023-09-19. Review status: criteria provided, single submitter. Criteria: Invitae Variant Classification Sherloc (09022015). Collection method: clinical testing. Allele origin: germline.
Comment: In summary, the available evidence is currently insufficient to determine the role of this variant in disease. Therefore, it has been classified as a Variant of Uncertain Significance. Advanced modeling of protein sequence and biophysical properties (such as structural, functional, and spatial information, amino acid conservation, physicochemical variation, residue mobility, and thermodynamic stability) performed at Invitae indicates that this missense variant is not expected to disrupt DNM1 protein function. ClinVar contains an entry for this variant (Variation ID: 1949973). This variant has not been reported in the literature in individuals affected with DNM1-related conditions. This variant is not present in population databases (gnomAD no frequency). This sequence change replaces glycine, which is neutral and non-polar, with serine, which is neutral and polar, at codon 848 of the DNM1 protein (p.Gly848Ser).